The following is an entry in ClinVar:

NM_001376.5(DYNC1H1):c.370G>A (p.Val124Met)

Gene: DYNC1H1 (dynein cytoplasmic 1 heavy chain 1; plus strand). Cytogenetic location: 14q32.31.
Variant type: single nucleotide variant.
Coding change: c.370G>A on transcript NM_001376.5 (MANE Select); coding-DNA position 370, G replaced by A.
Protein change: p.Val124Met; replaces valine 124 with methionine.
Molecular consequence: missense variant.
Genome position (GRCh38, 1-based): chr14:101,979,344, G>A. VCF-style: chr14-101979344-G-A. GRCh37 (hg19) VCF-style: chr14-102445681-G-A.
Other names: short protein forms V124M.
Identifiers: ClinVar variation 539765 (VCV000539765.13), dbSNP rs749548033, ClinGen allele CA391007351.

ClinVar aggregate classification (germline): Conflicting classifications of pathogenicity. Review status: criteria provided, conflicting classifications (1 of 4 stars). 3 submissions from 3 submitters: Uncertain significance (2); Likely benign (1). Last evaluated 2025-08-08.

Conditions:
Inborn genetic diseases. Identifiers: MedGen C0950123, MeSH D030342.
Charcot-Marie-Tooth disease axonal type 2O. Also called: CHARCOT-MARIE-TOOTH NEUROPATHY, AXONAL, TYPE 2O; CHARCOT-MARIE-TOOTH DISEASE, AXONAL, AUTOSOMAL DOMINANT, TYPE 2O; Charcot-Marie-Tooth Neuropathy Type 2O; Charcot-Marie-Tooth disease, axonal, type 20. Identifiers: Orphanet 284232, MedGen C3280220, MONDO:0013644, OMIM 614228.

Allele frequency attached by ClinVar (database versions not stated): gnomAD 0.00001.
gnomAD v4.1: 9 of 1,613,876 alleles (0.00056%); highest among the groups gnomAD compares: South Asian, 0.0022%; no homozygotes.

Submissions (3):

Labcorp Genetics (formerly Invitae), Labcorp
Classification: Likely benign for Charcot-Marie-Tooth disease axonal type 2O. Last evaluated: 2025-08-08. Review status: criteria provided, single submitter. Criteria: Invitae Variant Classification Sherloc (09022015). Collection method: clinical testing. Allele origin: germline.

Women's Health and Genetics/Laboratory Corporation of America, LabCorp
Classification: Uncertain significance. Last evaluated: 2025-03-18. Review status: criteria provided, single submitter. Criteria: LabCorp Variant Classification Summary - May 2015. Collection method: clinical testing. Allele origin: germline.
Comment: Variant summary: DYNC1H1 c.370G>A (p.Val124Met) results in a conservative amino acid change in the encoded protein sequence. Three of four in-silico tools predict a benign effect of the variant on protein function. The variant allele was found at a frequency of 8e-06 in 251432 control chromosomes. The available data on variant occurrences in the general population are insufficient to allow any conclusion about variant significance. To our knowledge, no occurrence of c.370G>A in individuals affected with Charcot-Marie-Tooth disease axonal type 2O and no experimental evidence demonstrating its impact on protein function have been reported. ClinVar contains an entry for this variant (Variation ID: 539765). Based on the evidence outlined above, the variant was classified as uncertain significance.

Ambry Genetics
Classification: Uncertain significance for Inborn genetic diseases. Last evaluated: 2022-07-22. Review status: criteria provided, single submitter. Criteria: Ambry Variant Classification Scheme 2023. Collection method: clinical testing. Allele origin: germline.
Comment: The p.V124M variant (also known as c.370G>A), located in coding exon 3 of the DYNC1H1 gene, results from a G to A substitution at nucleotide position 370. The valine at codon 124 is replaced by methionine, an amino acid with highly similar properties. This amino acid position is well conserved in available vertebrate species. In addition, this alteration is predicted to be tolerated by in silico analysis. Since supporting evidence is limited at this time, the clinical significance of this alteration remains unclear.